The following is an entry in ClinVar:

ClinVar aggregate classification (germline): Uncertain significance. Review status: criteria provided, multiple submitters, no conflicts (2 of 4 stars). 2 submissions from 2 submitters: Uncertain significance (2). Last evaluated 2022-12-27.

Allele frequency attached by ClinVar (database versions not stated): gnomAD exomes below 0.00001; TOPMed below 0.00001.
gnomAD v4.1: 1 of 1,613,020 alleles (0.000062%); highest among the groups gnomAD compares: African/African-American, 0.0013%; no homozygotes.

Submissions (2):

GeneDx
Classification: Uncertain significance. Last evaluated: 2022-12-27. Review status: criteria provided, single submitter. Criteria: GeneDx Variant Classification Process June 2021. Collection method: clinical testing. Allele origin: germline. Affected: yes.
Comment: Not observed at significant frequency in large population cohorts (gnomAD); In silico analysis supports that this missense variant has a deleterious effect on protein structure/function; Has not been previously published as pathogenic or benign to our knowledge

Labcorp Genetics (formerly Invitae), Labcorp
Classification: Uncertain significance. Last evaluated: 2022-06-13. Review status: criteria provided, single submitter. Criteria: Invitae Variant Classification Sherloc (09022015). Collection method: clinical testing. Allele origin: germline.
Comment: This sequence change replaces serine, which is neutral and polar, with proline, which is neutral and non-polar, at codon 4804 of the ADGRV1 protein (p.Ser4804Pro). This variant is not present in population databases (gnomAD no frequency). This variant has not been reported in the literature in individuals affected with ADGRV1-related conditions. ClinVar contains an entry for this variant (Variation ID: 946465). Algorithms developed to predict the effect of missense changes on protein structure and function (SIFT, PolyPhen-2, Align-GVGD) all suggest that this variant is likely to be tolerated. In summary, the available evidence is currently insufficient to determine the role of this variant in disease. Therefore, it has been classified as a Variant of Uncertain Significance.

NM_032119.4(ADGRV1):c.14410T>C (p.Ser4804Pro)

Gene: ADGRV1 (adhesion G protein-coupled receptor V1; plus strand). Cytogenetic location: 5q14.3.
Variant type: single nucleotide variant.
Coding change: c.14410T>C on transcript NM_032119.4 (MANE Select); coding-DNA position 14410, T replaced by C.
Protein change: p.Ser4804Pro; replaces serine 4804 with proline.
Molecular consequence: missense variant. On other transcripts: non-coding transcript variant (1).
Genome position (GRCh38, 1-based): chr5:90,791,239, T>C. VCF-style: chr5-90791239-T-C. GRCh37 (hg19) VCF-style: chr5-90087056-T-C.
Other names: short protein forms S4804P.
Identifiers: ClinVar variation 946465 (VCV000946465.7), dbSNP rs1760037725, ClinGen allele CA360401815.